The following is an entry in ClinVar:

NM_022167.4(XYLT2):c.1178T>C (p.Ile393Thr)

Gene: XYLT2 (xylosyltransferase 2; plus strand). Cytogenetic location: 17q21.33.
Variant type: single nucleotide variant.
Coding change: c.1178T>C on transcript NM_022167.4 (MANE Select); coding-DNA position 1178, T replaced by C.
Protein change: p.Ile393Thr; replaces isoleucine 393 with threonine.
Molecular consequence: missense variant.
Genome position (GRCh38, 1-based): chr17:50,355,870, T>C. VCF-style: chr17-50355870-T-C. GRCh37 (hg19) VCF-style: chr17-48433231-T-C.
Other names: short protein forms I393T.
Identifiers: ClinVar variation 1432746 (VCV001432746.3), dbSNP rs888594669, ClinGen allele CA291579439.

ClinVar aggregate classification (germline): Uncertain significance (1 of 4 stars; one submission).

Allele frequency attached by ClinVar (database versions not stated): gnomAD exomes 0.00001 and below 0.00001; TOPMed 0.00001; gnomAD 0.00001.
gnomAD v4.1: 17 of 1,614,072 alleles (0.0011%); highest among the groups gnomAD compares: Non-Finnish European, 0.0014%; no homozygotes.

Submission:

Labcorp Genetics (formerly Invitae), Labcorp
Classification: Uncertain significance. Last evaluated: 2021-10-11. Review status: criteria provided, single submitter. Criteria: Invitae Variant Classification Sherloc (09022015). Collection method: clinical testing. Allele origin: germline.
Comment: This sequence change replaces isoleucine with threonine at codon 393 of the XYLT2 protein (p.Ile393Thr). The isoleucine residue is highly conserved and there is a moderate physicochemical difference between isoleucine and threonine. This variant is not present in population databases (ExAC no frequency). This variant has not been reported in the literature in individuals affected with XYLT2-related conditions. Algorithms developed to predict the effect of missense changes on protein structure and function (SIFT, PolyPhen-2, Align-GVGD) all suggest that this variant is likely to be disruptive. In summary, the available evidence is currently insufficient to determine the role of this variant in disease. Therefore, it has been classified as a Variant of Uncertain Significance.